The following is an entry in ClinVar:

ClinVar aggregate classification (germline): Uncertain significance (1 of 4 stars; one submission).

Conditions:
Hereditary cancer-predisposing syndrome. Also called: Neoplastic Syndromes, Hereditary; Tumor predisposition; Hereditary Cancer Syndrome; Hereditary neoplastic syndrome. Identifiers: Orphanet 140162, MedGen C0027672, MeSH D009386, MONDO:0015356.

Allele frequency attached by ClinVar (database versions not stated): TOPMed below 0.00001.

Submission:

Ambry Genetics
Classification: Uncertain significance for Hereditary cancer-predisposing syndrome. Last evaluated: 2023-10-26. Review status: criteria provided, single submitter. Criteria: Ambry Variant Classification Scheme 2023. Collection method: clinical testing. Allele origin: germline.
Comment: The p.E522G variant (also known as c.1565A>G), located in coding exon 9 of the ATM gene, results from an A to G substitution at nucleotide position 1565. The glutamic acid at codon 522 is replaced by glycine, an amino acid with similar properties. This amino acid position is well conserved in available vertebrate species. In addition, this alteration is predicted to be deleterious by in silico analysis. Since supporting evidence is limited at this time, the clinical significance of this alteration remains unclear.

NM_000051.4(ATM):c.1565A>G (p.Glu522Gly)

Gene: ATM (ATM serine/threonine kinase; plus strand). Cytogenetic location: 11q22.3.
Variant type: single nucleotide variant.
Coding change: c.1565A>G on transcript NM_000051.4 (MANE Select); coding-DNA position 1565, A replaced by G.
Protein change: p.Glu522Gly; replaces glutamic acid 522 with glycine.
Molecular consequence: missense variant.
Genome position (GRCh38, 1-based): chr11:108,251,030, A>G. VCF-style: chr11-108251030-A-G. GRCh37 (hg19) VCF-style: chr11-108121757-A-G.
Other names: c.1565A>G, p.Glu522Gly (NM_001351834.2); short protein forms E522G.
Identifiers: ClinVar variation 819523 (VCV000819523.4), dbSNP rs1254907954, ClinGen allele CA382534367.